The following is an entry in ClinVar:

ClinVar aggregate classification (germline): Uncertain significance (1 of 4 stars; one submission).

Allele frequency attached by ClinVar (database versions not stated): ExAC 0.00001; TOPMed 0.00001.
gnomAD v4.1: 1 of 1,208,364 alleles (0.000083%); no homozygotes.

Submission:

GeneDx
Classification: Uncertain significance. Last evaluated: 2023-03-23. Review status: criteria provided, single submitter. Criteria: GeneDx Variant Classification Process June 2021. Collection method: clinical testing. Allele origin: germline. Affected: yes.
Comment: Not observed at significant frequency in large population cohorts (gnomAD); In silico analysis supports that this missense variant has a deleterious effect on protein structure/function; Has not been previously published as pathogenic or benign to our knowledge

NM_031407.7(HUWE1):c.12038G>A (p.Arg4013Gln)

Gene: HUWE1 (HECT, UBA and WWE domain containing E3 ubiquitin protein ligase 1; minus strand). Cytogenetic location: Xp11.22.
Variant type: single nucleotide variant.
Coding change: c.12038G>A on transcript NM_031407.7 (MANE Select); coding-DNA position 12038, G replaced by A.
Protein change: p.Arg4013Gln; replaces arginine 4013 with glutamine.
Molecular consequence: missense variant.
Genome position (GRCh38, 1-based): chrX:53,537,655, C>T on the plus strand (G>A on the coding strand, the complement: HUWE1 is on the minus strand). VCF-style: chrX-53537655-C-T. GRCh37 (hg19) VCF-style: chrX-53564616-C-T.
Other names: short protein forms R4013Q.
Identifiers: ClinVar variation 2580536 (VCV002580536.1), dbSNP rs781815100, ClinGen allele CA10421283.
Genomic context (GRCh38, chrX:53,537,655, plus strand): 5'-TCACGATAGGAGTCTTCAAACACATGGTCACGACGGACATGCACAGCCATGTCTTCTTTC[C>T]GGAGCCCCTCATCTAAACGCTCCAGCTCTTGGCGGAAATATCTTGGGAGGTAGAAAAGGA-3'
Protein context (NP_113584.3, residues 4003-4023): QELERLDEGL[Arg4013Gln]KEDMAVHVRR